The following is an entry in ClinVar:

NM_000057.4(BLM):c.4162G>C (p.Ala1388Pro)

Gene: BLM (BLM RecQ like helicase; plus strand). Cytogenetic location: 15q26.1.
Variant type: single nucleotide variant.
Coding change: c.4162G>C on transcript NM_000057.4 (MANE Select); coding-DNA position 4162, G replaced by C.
Protein change: p.Ala1388Pro; replaces alanine 1388 with proline.
Molecular consequence: missense variant.
Genome position (GRCh38, 1-based): chr15:90,815,187, G>C. VCF-style: chr15-90815187-G-C. GRCh37 (hg19) VCF-style: chr15-91358417-G-C.
Other names: c.4162G>C, p.Ala1388Pro (NM_001287246.2); c.3769G>C, p.Ala1257Pro (NM_001287247.2); c.3037G>C, p.Ala1013Pro (NM_001287248.2); c.4162G>C (NM_000057.2); short protein forms A1013P, A1257P, A1388P.
Identifiers: ClinVar variation 642821 (VCV000642821.9), dbSNP rs1567068979, ClinGen allele CA393852408.

ClinVar aggregate classification (germline): Uncertain significance. Review status: criteria provided, multiple submitters, no conflicts (2 of 4 stars). 2 submissions from 2 submitters: Uncertain significance (2). Last evaluated 2025-07-25.

Conditions:
Bloom syndrome (BLM). Also called: Bloom-Torre-Machacek syndrome. Identifiers: Orphanet 125, MedGen C0005859, MONDO:0008876, OMIM 210900.
Hereditary cancer-predisposing syndrome. Also called: Neoplastic Syndromes, Hereditary; Tumor predisposition; Hereditary neoplastic syndrome; Hereditary Cancer Syndrome. Identifiers: Orphanet 140162, MedGen C0027672, MeSH D009386, MONDO:0015356.

Allele frequency attached by ClinVar (database versions not stated): gnomAD exomes below 0.00001.
gnomAD v4.1: 1 of 1,614,134 alleles (0.000062%); highest among the groups gnomAD compares: Non-Finnish European, 0.000085%; no homozygotes.

Submissions (2):

Labcorp Genetics (formerly Invitae), Labcorp
Classification: Uncertain significance for Bloom syndrome. Last evaluated: 2025-07-25. Review status: criteria provided, single submitter. Criteria: Invitae Variant Classification Sherloc (09022015). Collection method: clinical testing. Allele origin: germline.
Comment: This sequence change replaces alanine, which is neutral and non-polar, with proline, which is neutral and non-polar, at codon 1388 of the BLM protein (p.Ala1388Pro). This variant is not present in population databases (gnomAD no frequency). This variant has not been reported in the literature in individuals affected with BLM-related conditions. ClinVar contains an entry for this variant (Variation ID: 642821). An algorithm developed to predict the effect of missense changes on protein structure and function (PolyPhen-2) suggests that this variant is likely to be disruptive. In summary, the available evidence is currently insufficient to determine the role of this variant in disease. Therefore, it has been classified as a Variant of Uncertain Significance.

Ambry Genetics
Classification: Uncertain significance for Hereditary cancer-predisposing syndrome. Last evaluated: 2024-11-25. Review status: criteria provided, single submitter. Criteria: Ambry Variant Classification Scheme 2023. Collection method: clinical testing. Allele origin: germline.
Comment: The p.A1388P variant (also known as c.4162G>C), located in coding exon 21 of the BLM gene, results from a G to C substitution at nucleotide position 4162. The alanine at codon 1388 is replaced by proline, an amino acid with highly similar properties. This amino acid position is conserved. In addition, this alteration is predicted to be tolerated by in silico analysis. Since supporting evidence is limited at this time, the clinical significance of this alteration remains unclear.